The following is an entry in ClinVar:

ClinVar aggregate classification (germline): Likely benign. Review status: criteria provided, multiple submitters, no conflicts (2 of 4 stars). 2 submissions from 2 submitters: Likely benign (2). Last evaluated 2026-09-01.

Allele frequency attached by ClinVar (database versions not stated): gnomAD 0.00001; ExAC 0.00003; gnomAD exomes 0.00006.
gnomAD v4.1: 86 of 1,613,452 alleles (0.0053%); highest among the groups gnomAD compares: East Asian, 0.029%; no homozygotes.

Submissions (2):

CeGaT Center for Human Genetics Tuebingen
Classification: Likely benign. Last evaluated: 2026-09-01. Review status: criteria provided, single submitter. Criteria: CeGaT Center For Human Genetics Tuebingen Variant Classification Criteria Version 2. Collection method: clinical testing. Allele origin: germline. Affected: yes. Observed: 1 variant allele.
Comment: SRCAP: BP4, BP7

Labcorp Genetics (formerly Invitae), Labcorp
Classification: Likely benign. Last evaluated: 2025-08-18. Review status: criteria provided, single submitter. Criteria: Invitae Variant Classification Sherloc (09022015). Collection method: clinical testing. Allele origin: germline.

NM_006662.3(SRCAP):c.519C>T (p.His173=)

Gene: SRCAP (Snf2 related CREBBP activator protein; plus strand). Cytogenetic location: 16p11.2.
Variant type: single nucleotide variant.
Coding change: c.519C>T on transcript NM_006662.3 (MANE Select); coding-DNA position 519, C replaced by T.
Protein change: p.His173=; no amino-acid change (histidine 173 retained).
Molecular consequence: synonymous variant.
Genome position (GRCh38, 1-based): chr16:30,707,598, C>T. VCF-style: chr16-30707598-C-T. GRCh37 (hg19) VCF-style: chr16-30718919-C-T.
Identifiers: ClinVar variation 2966060 (VCV002966060.4), dbSNP rs760587957, ClinGen allele CA8010701.